The following is an entry in ClinVar:

ClinVar aggregate classification (germline): Uncertain significance. Review status: criteria provided, multiple submitters, no conflicts (2 of 4 stars). 2 submissions from 2 submitters: Uncertain significance (2). Last evaluated 2024-12-18.

Conditions:
Glutaric aciduria, type 1. Also called: Glutaricaciduria, type I; GA I; Glutaryl-CoA dehydrogenase deficiency; Glutaric acidemia type I; Glutaricacidemia Type 1; Glutaric Acidemia Type 1. Identifiers: Orphanet 25, MedGen C0268595, MONDO:0009281, OMIM 231670.

Allele frequency attached by ClinVar (database versions not stated): TOPMed 0.00033; ESP Exome Variant Server 0.00039.
gnomAD v4.1: 848 of 1,520,684 alleles (0.056%); highest among the groups gnomAD compares: Non-Finnish European, 0.074%; 2 homozygotes.

Submissions (3):

GeneDx
Classification: Uncertain significance. Last evaluated: 2024-12-18. Review status: criteria provided, single submitter. Criteria: GeneDx Variant Classification Process June 2021. Collection method: clinical testing. Allele origin: germline. Affected: yes.
Comment: Has not been previously published as pathogenic or benign to our knowledge; In silico analysis is inconclusive as to whether the variant alters gene splicing. In the absence of RNA/functional studies, the actual effect of this sequence change is unknown.

Illumina Laboratory Services, Illumina
Classification: Uncertain significance for Glutaric aciduria, type 1. Last evaluated: 2018-01-12. Review status: criteria provided, single submitter. Criteria: ICSL Variant Classification Criteria 13 December 2019. Collection method: clinical testing. Allele origin: germline.

Dr. Peter K. Rogan Lab, Western University
No classification provided (evidence only). Condition: Sarcoma. Review status: no classification provided. Collection method: in vitro. Allele origin: not applicable. Functional consequence: retained intron. Not counted in ClinVar's aggregate classification.

NM_000159.4(GCDH):c.-34-11C>A

Genes: GCDH (glutaryl-CoA dehydrogenase; plus strand), LOC117125594 (CRISPRi-FlowFISH-validated KLF1 regulatory element; plus strand). Cytogenetic location: 19p13.13.
Variant type: single nucleotide variant.
Coding change: c.-34-11C>A on transcript NM_000159.4 (MANE Select); 11 bases into the intron before 34 bases upstream of the start codon, C replaced by A.
Molecular consequence: intron variant.
Genome position (GRCh38, 1-based): chr19:12,891,260, C>A. VCF-style: chr19-12891260-C-A. GRCh37 (hg19) VCF-style: chr19-13002074-C-A.
Other names: NC_000019.9:g.13002074C>A; c.-34-11C>A (NM_013976.5).
Identifiers: ClinVar variation 889875 (VCV000889875.8), dbSNP rs367715601, ClinGen allele CA9234159.
Genomic context (GRCh38, chr19:12,891,260, plus strand): 5'-CAGGTAAGGAAGGTGCGGTAGCCCCAGCCGTGGGTGAGAGGAGCTCCGCTCTGACACCCC[C>A]GCTCCTGTAGGTCGCCGTCGTTGCTCCGCTCGCTCTGAGAGAGCATGGCCCTGAGAGGCG-3'